The following is an entry in ClinVar:

ClinVar aggregate classification (germline): Likely pathogenic. Review status: criteria provided, multiple submitters, no conflicts (2 of 4 stars). 4 submissions from 4 submitters: Likely pathogenic (4). Last evaluated 2025-08-20.

Conditions:
Ehlers-Danlos syndrome, dermatosparaxis type. Also called: Dermatosparaxis; EDS VIIC; Ehlers-Danlos syndrome, type VII, autosomal recessive. Identifiers: Orphanet 1901, MedGen C2700425, MONDO:0009161, OMIM 225410.

Allele frequency attached by ClinVar (database versions not stated): gnomAD 0.00001; TOPMed 0.00001.
gnomAD v4.1: 4 of 1,608,766 alleles (0.00025%); highest among the groups gnomAD compares: Admixed American, 0.005%; no homozygotes.

Submissions (4):

Natera, Inc.
Classification: Likely pathogenic for Ehlers-Danlos syndrome type VIIC. Last evaluated: 2025-08-20. Review status: criteria provided, single submitter. Criteria: Natera Variant Classification Schema (03/2026). Collection method: clinical testing. Allele origin: germline.
Comment: The c.688+1G>A variant in ADAMTS2 is a canonical splice donor site variant predicted to affect pre-mRNA splicing, which may result in an abnormal transcript and altered protein product. This variant is expected to result in nonsense mediated decay, truncation, or a dysfunctional protein product. This variant is rare in the general population with a frequency below the threshold expected for the associated phenotype(s). Given the available evidence, this variant is classified as Likely Pathogenic.

Fulgent Genetics
Classification: Likely pathogenic for Ehlers-Danlos syndrome, dermatosparaxis type. Last evaluated: 2024-03-05. Review status: criteria provided, single submitter. Criteria: ACMG Guidelines, 2015. Collection method: clinical testing. Allele origin: germline.

Labcorp Genetics (formerly Invitae), Labcorp
Classification: Likely pathogenic for Ehlers-Danlos syndrome, dermatosparaxis type. Last evaluated: 2024-02-22. Review status: criteria provided, single submitter. Criteria: Invitae Variant Classification Sherloc (09022015). Collection method: clinical testing. Allele origin: germline.
Comment: This sequence change affects a donor splice site in intron 3 of the ADAMTS2 gene. It is expected to disrupt RNA splicing. Variants that disrupt the donor or acceptor splice site typically lead to a loss of protein function (PMID: 16199547), and loss-of-function variants in ADAMTS2 are known to be pathogenic (PMID: 10417273). This variant is not present in population databases (gnomAD no frequency). This variant has not been reported in the literature in individuals affected with ADAMTS2-related conditions. ClinVar contains an entry for this variant (Variation ID: 1481564). Algorithms developed to predict the effect of sequence changes on RNA splicing suggest that this variant may disrupt the consensus splice site. In summary, the currently available evidence indicates that the variant is pathogenic, but additional data are needed to prove that conclusively. Therefore, this variant has been classified as Likely Pathogenic.

Mendelics
Classification: Likely pathogenic for Ehlers-Danlos syndrome, dermatosparaxis type. Last evaluated: 2022-05-04. Review status: criteria provided, single submitter. Criteria: Mendelics Assertion Criteria 2019. Collection method: clinical testing. Allele origin: germline.

Literature cited by the submitters: PubMed 16199547 (cited by Labcorp Genetics (formerly Invitae), Labcorp); PubMed 10417273 (cited by Labcorp Genetics (formerly Invitae), Labcorp).

NM_014244.5(ADAMTS2):c.688+1G>A

Gene: ADAMTS2 (ADAM metallopeptidase with thrombospondin type 1 motif 2; minus strand). Cytogenetic location: 5q35.3.
Variant type: single nucleotide variant.
Coding change: c.688+1G>A on transcript NM_014244.5 (MANE Select); the canonical splice donor site of the intron after coding-DNA position 688, G replaced by A.
Molecular consequence: splice donor variant.
Genome position (GRCh38, 1-based): chr5:179,272,910, C>T on the plus strand (G>A on the coding strand, the complement: ADAMTS2 is on the minus strand). VCF-style: chr5-179272910-C-T. GRCh37 (hg19) VCF-style: chr5-178699911-C-T.
Other names: c.688+1G>A (NM_021599.4, NM_014244.4).
Identifiers: ClinVar variation 1481564 (VCV001481564.9), dbSNP rs1182409555, ClinGen allele CA362426454.